The following is an entry in ClinVar:

ClinVar aggregate classification (germline): Uncertain significance. Review status: criteria provided, multiple submitters, no conflicts (2 of 4 stars). 3 submissions from 3 submitters: Uncertain significance (3). Last evaluated 2026-01-06.

Allele frequency attached by ClinVar (database versions not stated): ExAC 0.00009; gnomAD exomes 0.00011; 1000 Genomes Project 30x 0.00016; 1000 Genomes Project 0.00020; gnomAD 0.00029 and 0.00031; TOPMed 0.00037; ESP Exome Variant Server 0.00038.
gnomAD v4.1: 99 of 1,614,176 alleles (0.0061%); highest among the groups gnomAD compares: African/African-American, 0.11%; no homozygotes.

Submissions (3):

Labcorp Genetics (formerly Invitae), Labcorp
Classification: Uncertain significance. Last evaluated: 2026-01-06. Review status: criteria provided, single submitter. Criteria: Invitae Variant Classification Sherloc (09022015). Collection method: clinical testing. Allele origin: germline.
Comment: This sequence change replaces arginine, which is basic and polar, with cysteine, which is neutral and slightly polar, at codon 661 of the MCM4 protein (p.Arg661Cys). This variant is present in population databases (rs144738849, gnomAD 0.1%). This variant has not been reported in the literature in individuals affected with MCM4-related conditions. ClinVar contains an entry for this variant (Variation ID: 1395591). Invitae Evidence Modeling of protein sequence and biophysical properties (such as structural, functional, and spatial information, amino acid conservation, physicochemical variation, residue mobility, and thermodynamic stability) indicates that this missense variant is expected to disrupt MCM4 protein function with a positive predictive value of 80%. In summary, the available evidence is currently insufficient to determine the role of this variant in disease. Therefore, it has been classified as a Variant of Uncertain Significance.

Blueprint Genetics
Classification: Uncertain significance. Last evaluated: 2024-07-02. Review status: criteria provided, single submitter. Criteria: ACMG Guidelines, 2015. Collection method: clinical testing. Allele origin: germline.

Ambry Genetics
Classification: Uncertain significance. Last evaluated: 2024-01-23. Review status: criteria provided, single submitter. Criteria: Ambry Variant Classification Scheme 2023. Collection method: clinical testing. Allele origin: germline.

NM_182746.3(MCM4):c.1981C>T (p.Arg661Cys)

Gene: MCM4 (minichromosome maintenance complex component 4; plus strand). Cytogenetic location: 8q11.21.
Variant type: single nucleotide variant.
Coding change: c.1981C>T on transcript NM_182746.3 (MANE Select); coding-DNA position 1981, C replaced by T.
Protein change: p.Arg661Cys; replaces arginine 661 with cysteine.
Molecular consequence: missense variant.
Genome position (GRCh38, 1-based): chr8:47,972,909, C>T. VCF-style: chr8-47972909-C-T. GRCh37 (hg19) VCF-style: chr8-48885469-C-T.
Other names: c.1981C>T (NM_005914.3); c.1981C>T, p.Arg661Cys (NM_005914.4); short protein forms R661C.
Identifiers: ClinVar variation 1395591 (VCV001395591.9), dbSNP rs144738849, ClinGen allele CA4742769.
Genomic context (GRCh38, chr8:47,972,909, plus strand): 5'-TTTCTTAGGTTTGATTTGATCTTCCTCTTGCTGGACCCTCAGGACGAAGCCTATGACAGG[C>T]GTCTGGCTCACCACCTGGTCGCACTGTACTACCAGAGCGAGGAGCAGGCAGAGGAGGAGC-3'
Protein context (NP_877423.1, residues 651-671): LDPQDEAYDR[Arg661Cys]LAHHLVALYY